The following is an entry in ClinVar:

NM_017711.4(GDPD2):c.1357C>G (p.Pro453Ala)

Genes: GDPD2 (glycerophosphodiester phosphodiesterase domain containing 2; plus strand), LOC105373244 (uncharacterized LOC105373244; minus strand). Cytogenetic location: Xq13.1.
Variant type: single nucleotide variant.
Coding change: c.1357C>G on transcript NM_017711.4 (MANE Select); coding-DNA position 1357, C replaced by G.
Protein change: p.Pro453Ala; replaces proline 453 with alanine.
Molecular consequence: missense variant.
Genome position (GRCh38, 1-based): chrX:70,432,356, C>G. VCF-style: chrX-70432356-C-G. GRCh37 (hg19) VCF-style: chrX-69652206-C-G.
Other names: c.1120C>G, p.Pro374Ala (NM_001171191.2, NM_001171193.2); c.1510C>G, p.Pro504Ala (NM_001171192.2); c.1510C>G (NM_001171192.1); short protein forms P374A, P453A, P504A.
Identifiers: ClinVar variation 2660821 (VCV002660821.24), dbSNP rs190991689, ClinGen allele CA10441824.

ClinVar aggregate classification (germline): Conflicting classifications of pathogenicity. Review status: criteria provided, conflicting classifications (1 of 4 stars). 2 submissions from 2 submitters: Uncertain significance (1); Likely benign (1). Last evaluated 2025-04-16.

Allele frequency attached by ClinVar (database versions not stated): ExAC 0.00003; 1000 Genomes Project 30x 0.00021; 1000 Genomes Project 0.00026; gnomAD 0.00009; TOPMed 0.00011.
gnomAD v4.1: 117 of 1,204,802 alleles (0.0097%); highest among the groups gnomAD compares: Admixed American, 0.017%; 1 homozygote.

Submissions (2):

Ambry Genetics
Classification: Uncertain significance. Last evaluated: 2025-04-16. Review status: criteria provided, single submitter. Criteria: Ambry Variant Classification Scheme 2023. Collection method: clinical testing. Allele origin: germline.

CeGaT Center for Human Genetics Tuebingen
Classification: Likely benign. Last evaluated: 2023-03-01. Review status: criteria provided, single submitter. Criteria: CeGaT Center For Human Genetics Tuebingen Variant Classification Criteria Version 2. Collection method: clinical testing. Allele origin: germline. Affected: yes. Observed: 1 variant allele.
Comment: GDPD2: BP4, BS2